The following is an entry in ClinVar:

ClinVar aggregate classification (germline): Uncertain significance (1 of 4 stars; one submission).

Submission:

Ambry Genetics
Classification: Uncertain significance. Last evaluated: 2026-05-31. Review status: criteria provided, single submitter. Criteria: Ambry Variant Classification Scheme 2023. Collection method: clinical testing. Allele origin: germline.
Comment: The p.A1097P variant (also known as c.3289G>C), located in coding exon 1 of the TET2 gene, results from a G to C substitution at nucleotide position 3289. The alanine at codon 1097 is replaced by proline, an amino acid with highly similar properties. This amino acid position is conserved. In addition, this alteration is predicted to be tolerated by in silico analysis. Based on the available evidence, the clinical significance of this variant remains unclear.

NM_001127208.3(TET2):c.3289G>C (p.Ala1097Pro)

Genes: TET2 (tet methylcytosine dioxygenase 2; plus strand), TET2-AS1 (TET2 antisense RNA 1; minus strand). Cytogenetic location: 4q24.
Variant type: single nucleotide variant.
Coding change: c.3289G>C on transcript NM_001127208.3 (MANE Select); coding-DNA position 3289, G replaced by C.
Protein change: p.Ala1097Pro; replaces alanine 1097 with proline.
Molecular consequence: missense variant.
Genome position (GRCh38, 1-based): chr4:105,237,231, G>C. VCF-style: chr4-105237231-G-C. GRCh37 (hg19) VCF-style: chr4-106158388-G-C.
Other names: c.3289G>C, p.Ala1097Pro (NM_017628.4); short protein forms A1097P.
Identifiers: ClinVar variation 4865595 (VCV004865595.1).
Genomic context (GRCh38, chr4:105,237,231, plus strand): 5'-CACACCCCAGCTTTAGAGCAGCAAACAACTTCTTCAGAAAAGACACCAACCAAAAGAACA[G>C]CTGCTTCTGTTCTCAATAATTTTATAGAGTCACCTTCCAAATTACTAGATACTCCTATAA-3'
Protein context (NP_001120680.1, residues 1087-1107): SSEKTPTKRT[Ala1097Pro]ASVLNNFIES